The following is an entry in ClinVar:

ClinVar aggregate classification (germline): Uncertain significance. Review status: criteria provided, multiple submitters, no conflicts (2 of 4 stars). 2 submissions from 2 submitters: Uncertain significance (2). Last evaluated 2023-03-23.

Conditions:
Catecholaminergic polymorphic ventricular tachycardia (CVPT). Also called: Catecholamine-induced polymorphic ventricular tachycardia. Identifiers: Orphanet 3286, MedGen C5574922, MONDO:0017990.
Catecholaminergic polymorphic ventricular tachycardia 1. Also called: VENTRICULAR TACHYCARDIA, STRESS-INDUCED POLYMORPHIC 1; VENTRICULAR TACHYCARDIA, CATECHOLAMINERGIC POLYMORPHIC, 1, WITH OR WITHOUT ATRIAL DYSFUNCTION AND/OR DILATED CARDIOMYOPATHY; RYR2-Related Catecholaminergic Polymorphic Ventricular Tachycardia. Identifiers: Orphanet 3286, MedGen C1631597, MONDO:0011484, OMIM 604772.

Submissions (2):

All of Us Research Program, National Institutes of Health
Classification: Uncertain significance for Catecholaminergic polymorphic ventricular tachycardia. Last evaluated: 2023-03-23. Review status: criteria provided, single submitter. Criteria: ACMG Guidelines, 2015. Collection method: clinical testing. Allele origin: germline. Inheritance: Autosomal dominant inheritance. Observed: 1 variant allele, 1 heterozygote.
Comment: This missense variant replaces arginine with proline at codon 1009 of the RYR2 protein. Computational prediction suggests that this variant may have deleterious impact on protein structure and function (internally defined REVEL score threshold >= 0.7, PMID: 27666373). To our knowledge, functional studies have not been reported for this variant. This variant has not been reported in individuals affected with RYR2-related disorders in the literature. This variant has not been identified in the general population by the Genome Aggregation Database (gnomAD). The available evidence is insufficient to determine the role of this variant in disease conclusively. Therefore, this variant is classified as a Variant of Uncertain Significance.

This study involves interpretation of variants in research participants for the purpose of population health screening. Participant phenotype was not available at the time of variant classification. Additional details can be found in publication PMID: 35346344, PMCID: PMC8962531

Labcorp Genetics (formerly Invitae), Labcorp
Classification: Uncertain significance for Catecholaminergic polymorphic ventricular tachycardia 1. Last evaluated: 2020-05-14. Review status: criteria provided, single submitter. Criteria: Invitae Variant Classification Sherloc (09022015). Collection method: clinical testing. Allele origin: germline.
Comment: In summary, the available evidence is currently insufficient to determine the role of this variant in disease. Therefore, it has been classified as a Variant of Uncertain Significance. Algorithms developed to predict the effect of missense changes on protein structure and function (SIFT, PolyPhen-2, Align-GVGD) all suggest that this variant is likely to be disruptive, but these predictions have not been confirmed by published functional studies and their clinical significance is uncertain. This variant has not been reported in the literature in individuals with RYR2-related conditions. This variant is not present in population databases (ExAC no frequency). This sequence change replaces arginine with proline at codon 1009 of the RYR2 protein (p.Arg1009Pro). The arginine residue is highly conserved and there is a moderate physicochemical difference between arginine and proline.

NM_001035.3(RYR2):c.3026G>C (p.Arg1009Pro)

Gene: RYR2 (ryanodine receptor 2; plus strand). Cytogenetic location: 1q43.
Variant type: single nucleotide variant.
Coding change: c.3026G>C on transcript NM_001035.3 (MANE Select); coding-DNA position 3026, G replaced by C.
Protein change: p.Arg1009Pro; replaces arginine 1009 with proline.
Molecular consequence: missense variant.
Genome position (GRCh38, 1-based): chr1:237,548,550, G>C. VCF-style: chr1-237548550-G-C. GRCh37 (hg19) VCF-style: chr1-237711850-G-C.
Other names: short protein forms R1009P.
Identifiers: ClinVar variation 1055967 (VCV001055967.11), dbSNP rs754812132, ClinGen allele CA345393675.